The following is an entry in ClinVar:

ClinVar aggregate classification (germline): Uncertain significance. Review status: criteria provided, multiple submitters, no conflicts (2 of 4 stars). 4 submissions from 4 submitters: Uncertain significance (4). Last evaluated 2024-06-03.

Conditions:
Hereditary cancer-predisposing syndrome. Also called: Hereditary neoplastic syndrome; Neoplastic Syndromes, Hereditary; Hereditary Cancer Syndrome; Tumor predisposition. Identifiers: Orphanet 140162, MedGen C0027672, MeSH D009386, MONDO:0015356.
Pheochromocytoma/paraganglioma syndrome 3. Also called: GLOMUS TUMORS, FAMILIAL, 3; SDHC-Related Hereditary Paraganglioma-Pheochromocytoma Syndrome; Paragangliomas 3; SDHC-Related Hereditary Paraganglioma-Pheochromocytoma Syndrome (Paragangliomas 3). Identifiers: Orphanet 29072, MedGen C1854336, MONDO:0011544, OMIM 605373.
Gastrointestinal stromal tumor. Also called: Gastrointestinal stromal tumor, somatic; Gastrointestinal stroma tumor. Identifiers: Orphanet 44890, MedGen C0238198, MeSH D046152, MONDO:0011719, OMIM 606764, HP:0100723.
Hereditary pheochromocytoma and paraganglioma. Also called: Hereditary pheochromocytoma-paraganglioma; Hereditary Paraganglioma-Pheochromocytoma Syndromes; Hereditary paragangliomas and pheochromocytomas. Identifiers: Orphanet 29072, MedGen C4274332, MONDO:0017366.

Allele frequency attached by ClinVar (database versions not stated): gnomAD exomes 0.00001.
gnomAD v4.1: 3 of 1,614,002 alleles (0.00019%); highest among the groups gnomAD compares: Non-Finnish European, 0.00017%; no homozygotes.

Submissions (4):

Ambry Genetics
Classification: Uncertain significance for Hereditary cancer-predisposing syndrome. Last evaluated: 2024-06-03. Review status: criteria provided, single submitter. Criteria: Ambry Variant Classification Scheme 2023. Collection method: clinical testing. Allele origin: germline.
Comment: The p.N43H variant (also known as c.127A>C), located in coding exon 3 of the SDHC gene, results from an A to C substitution at nucleotide position 127. The asparagine at codon 43 is replaced by histidine, an amino acid with similar properties. This amino acid position is not well conserved in available vertebrate species. In addition, the in silico prediction for this alteration is inconclusive. Since supporting evidence is limited at this time, the clinical significance of this alteration remains unclear.

All of Us Research Program, National Institutes of Health
Classification: Uncertain significance for Hereditary pheochromocytoma and paraganglioma. Last evaluated: 2024-03-05. Review status: criteria provided, single submitter. Criteria: ACMG Guidelines, 2015. Collection method: clinical testing. Allele origin: germline. Inheritance: Autosomal dominant inheritance. Observed: 1 variant allele, 1 heterozygote.
Comment: This study involves interpretation of variants in research participants for the purpose of population health screening. Participant phenotype was not available at the time of variant classification. Additional details can be found in publication PMID: 35346344, PMCID: PMC8962531

Labcorp Genetics (formerly Invitae), Labcorp
Classification: Uncertain significance for Pheochromocytoma/paraganglioma syndrome 3; Gastrointestinal stromal tumor. Last evaluated: 2022-08-09. Review status: criteria provided, single submitter. Criteria: Invitae Variant Classification Sherloc (09022015). Collection method: clinical testing. Allele origin: germline.
Comment: This variant is not present in population databases (gnomAD no frequency). This sequence change replaces asparagine, which is neutral and polar, with histidine, which is basic and polar, at codon 43 of the SDHC protein (p.Asn43His). In summary, the available evidence is currently insufficient to determine the role of this variant in disease. Therefore, it has been classified as a Variant of Uncertain Significance. Algorithms developed to predict the effect of missense changes on protein structure and function (SIFT, PolyPhen-2, Align-GVGD) all suggest that this variant is likely to be tolerated. ClinVar contains an entry for this variant (Variation ID: 534372). This variant has not been reported in the literature in individuals affected with SDHC-related conditions.

Quest Diagnostics Nichols Institute San Juan Capistrano
Classification: Uncertain significance. Last evaluated: 2020-12-04. Review status: criteria provided, single submitter. Criteria: Quest Diagnostics criteria. Collection method: clinical testing. Allele origin: unknown.

NM_003001.5(SDHC):c.127A>C (p.Asn43His)

Gene: SDHC (succinate dehydrogenase complex subunit C; plus strand). Cytogenetic location: 1q23.3.
Variant type: single nucleotide variant.
Coding change: c.127A>C on transcript NM_003001.5 (MANE Select); coding-DNA position 127, A replaced by C.
Protein change: p.Asn43His; replaces asparagine 43 with histidine.
Molecular consequence: missense variant. On other transcripts: non-coding transcript variant (1), intron variant (4).
Genome position (GRCh38, 1-based): chr1:161,328,445, A>C. VCF-style: chr1-161328445-A-C. GRCh37 (hg19) VCF-style: chr1-161298235-A-C.
Other names: c.127A>C, p.Asn43His (NM_001035511.3, NM_001407115.1); c.70A>C, p.Asn24His (NM_001407116.1, NM_001407117.1, NM_001407121.1); c.16A>C, p.Asn6His (NM_001407119.1, NM_001407120.1); c.77+4775A>C (NM_001035512.3, NM_001278172.3, NM_001407118.1); c.21-12149A>C (NM_001035513.3); short protein forms N43H, N6H, N24H.
Identifiers: ClinVar variation 534372 (VCV000534372.17), dbSNP rs1553262439, ClinGen allele CA343361095.